The following is an entry in ClinVar:

NM_206933.4(USH2A):c.1644+4A>G

Gene: USH2A (usherin; minus strand). Cytogenetic location: 1q41.
Variant type: single nucleotide variant.
Coding change: c.1644+4A>G on transcript NM_206933.4 (MANE Select); 4 bases into the intron after coding-DNA position 1644, A replaced by G.
Molecular consequence: intron variant.
Genome position (GRCh38, 1-based): chr1:216,321,879, T>C on the plus strand (A>G on the coding strand, the complement: USH2A is on the minus strand). VCF-style: chr1-216321879-T-C. GRCh37 (hg19) VCF-style: chr1-216495221-T-C.
Other names: c.1644+4A>G (NM_007123.6).
Identifiers: ClinVar variation 1916215 (VCV001916215.5), dbSNP rs2527429518, ClinGen allele CA2580062120.
Genomic context (GRCh38, chr1:216,321,879, plus strand): 5'-AGAATTTATAGTCACCATCTCTACTATTTTTTTTTTAGATTTCCATGCATAAAATAGAAC[T>C]CACATGAAGTCCTTCAGTGAAGCTCTCCTGGGAGCAGAGGCATCTATATGGCTGGCTTGT-3'

ClinVar aggregate classification (germline): Pathogenic (1 of 4 stars; one submission).

Submission:

Labcorp Genetics (formerly Invitae), Labcorp
Classification: Pathogenic. Last evaluated: 2022-08-30. Review status: criteria provided, single submitter. Criteria: Invitae Variant Classification Sherloc (09022015). Collection method: clinical testing. Allele origin: germline.
Comment: For these reasons, this variant has been classified as Pathogenic. Variants that disrupt the consensus splice site are a relatively common cause of aberrant splicing (PMID: 17576681, 9536098). Algorithms developed to predict the effect of sequence changes on RNA splicing suggest that this variant may disrupt the consensus splice site. This variant has been observed in individual(s) with Usher syndrome (PMID: 31904091, 32188678). In at least one individual the data is consistent with being in trans (on the opposite chromosome) from a pathogenic variant. This variant is not present in population databases (gnomAD no frequency). This sequence change falls in intron 9 of the USH2A gene. It does not directly change the encoded amino acid sequence of the USH2A protein. It affects a nucleotide within the consensus splice site.

Literature cited by the submitters: PubMed 17576681; PubMed 9536098; PubMed 31904091; PubMed 32188678.